The following is an entry in ClinVar:

NM_005886.3(KATNB1):c.1558G>A (p.Asp520Asn)

Gene: KATNB1 (katanin regulatory subunit B1; plus strand). Cytogenetic location: 16q21.
Variant type: single nucleotide variant.
Coding change: c.1558G>A on transcript NM_005886.3 (MANE Select); coding-DNA position 1558, G replaced by A.
Protein change: p.Asp520Asn; replaces aspartic acid 520 with asparagine.
Molecular consequence: missense variant.
Genome position (GRCh38, 1-based): chr16:57,755,486, G>A. VCF-style: chr16-57755486-G-A. GRCh37 (hg19) VCF-style: chr16-57789398-G-A.
Other names: short protein forms D520N.
Identifiers: ClinVar variation 2070092 (VCV002070092.10), dbSNP rs145389285, ClinGen allele CA8081253.

ClinVar aggregate classification (germline): Conflicting classifications of pathogenicity. Review status: criteria provided, conflicting classifications (1 of 4 stars). 4 submissions from 4 submitters: Uncertain significance (2); Likely benign (2). Last evaluated 2026-10-11.

Conditions:
Inborn genetic diseases. Identifiers: MedGen C0950123, MeSH D030342.
Lissencephaly 6 with microcephaly. Identifiers: Orphanet 1083, MedGen C4015525, MONDO:0014534, OMIM 616212.

Allele frequency attached by ClinVar (database versions not stated): ExAC 0.00019; gnomAD 0.00030; gnomAD exomes 0.00049; TOPMed 0.00029; ESP Exome Variant Server 0.00046.
gnomAD v4.1: 788 of 1,612,494 alleles (0.049%); highest among the groups gnomAD compares: Non-Finnish European, 0.061%; 1 homozygote.

Submissions (4):

GeneDx
Classification: Uncertain significance. Last evaluated: 2026-10-11. Review status: criteria provided, single submitter. Criteria: GeneDx Variant Classification Process June 2021. Collection method: clinical testing. Allele origin: germline.
Comment: In silico analysis supports that this missense variant has a deleterious effect on protein structure/function; Has not been previously published as pathogenic or benign to our knowledge

Labcorp Genetics (formerly Invitae), Labcorp
Classification: Likely benign. Last evaluated: 2025-09-02. Review status: criteria provided, single submitter. Criteria: Invitae Variant Classification Sherloc (09022015). Collection method: clinical testing. Allele origin: germline.

Ambry Genetics
Classification: Likely benign for Inborn genetic diseases. Last evaluated: 2022-05-25. Review status: criteria provided, single submitter. Criteria: Ambry Variant Classification Scheme 2023. Collection method: clinical testing. Allele origin: germline.

Revvity Omics, Revvity
Classification: Uncertain significance for Lissencephaly 6 with microcephaly. Last evaluated: 2019-06-09. Review status: criteria provided, single submitter. Criteria: ACMG Guidelines, 2015. Collection method: clinical testing. Allele origin: germline.